The following is an entry in ClinVar:

ClinVar aggregate classification (germline): Uncertain significance (1 of 4 stars; one submission).

Submission:

Labcorp Genetics (formerly Invitae), Labcorp
Classification: Uncertain significance. Last evaluated: 2023-08-17. Review status: criteria provided, single submitter. Criteria: Invitae Variant Classification Sherloc (09022015). Collection method: clinical testing. Allele origin: germline.
Comment: This variant has not been reported in the literature in individuals affected with MCM2-related conditions. In summary, the available evidence is currently insufficient to determine the role of this variant in disease. Therefore, it has been classified as a Variant of Uncertain Significance. An algorithm developed to predict the effect of missense changes on protein structure and function (PolyPhen-2) suggests that this variant is likely to be tolerated. This variant is not present in population databases (gnomAD no frequency). This sequence change replaces glutamine, which is neutral and polar, with histidine, which is basic and polar, at codon 871 of the MCM2 protein (p.Gln871His).

NM_004526.4(MCM2):c.2613G>C (p.Gln871His)

Genes: MCM2 (minichromosome maintenance complex component 2; plus strand), LOC107986126 (uncharacterized LOC107986126; minus strand). Cytogenetic location: 3q21.3.
Variant type: single nucleotide variant.
Coding change: c.2613G>C on transcript NM_004526.4 (MANE Select); coding-DNA position 2613, G replaced by C.
Protein change: p.Gln871His; replaces glutamine 871 with histidine.
Molecular consequence: missense variant. On other transcripts: non-coding transcript variant (1).
Genome position (GRCh38, 1-based): chr3:127,621,671, G>C. VCF-style: chr3-127621671-G-C. GRCh37 (hg19) VCF-style: chr3-127340514-G-C.
Other names: short protein forms Q871H.
Identifiers: ClinVar variation 2753299 (VCV002753299.3), dbSNP rs928955916, ClinGen allele CA354397035.